The following is an entry in ClinVar:

NM_000492.4(CFTR):c.532G>A (p.Gly178Arg)

Gene: CFTR (CF transmembrane conductance regulator; plus strand). Cytogenetic location: 7q31.2.
Variant type: single nucleotide variant.
Coding change: c.532G>A on transcript NM_000492.4 (MANE Select); coding-DNA position 532, G replaced by A.
Protein change: p.Gly178Arg; replaces glycine 178 with arginine.
Molecular consequence: missense variant.
Genome position (GRCh38, 1-based): chr7:117,534,318, G>A. VCF-style: chr7-117534318-G-A. GRCh37 (hg19) VCF-style: chr7-117174372-G-A.
Other names: short protein forms G178R.
Identifiers: ClinVar variation 48692 (VCV000048692.74), dbSNP rs80282562, ClinGen allele CA328125.
Genomic context (GRCh38, chr7:117,534,318, plus strand): 5'-TTTCCATTTTTCTTTTAGACTTTAAAGCTGTCAAGCCGTGTTCTAGATAAAATAAGTATT[G>A]GACAACTTGTTAGTCTCCTTTCCAACAACCTGAACAAATTTGATGAAGTATGTACCTATT-3'
Protein context (NP_000483.3, residues 168-188): SSRVLDKISI[Gly178Arg]QLVSLLSNNL

ClinVar aggregate classification (germline): Pathogenic; drug response. Review status: reviewed by expert panel (3 of 4 stars). 18 submissions from 17 submitters: Pathogenic (1). 16 of the submissions do not count toward it. Last evaluated 2021-03-24.

Conditions:
CFTR-related disorder (CFTR-RD). Also called: CFTR-related condition; CFTR-related disorders. Identifiers: MedGen C5924204, MONDO:7770004.
Congenital bilateral aplasia of vas deferens from CFTR mutation (CBAVD). Identifiers: Orphanet 48, MedGen C0403814, MONDO:0010178, OMIM 277180. Disease mechanism: loss of function.
Cystic fibrosis (CF). Also called: MUCOVISCIDOSIS. Identifiers: Orphanet 586, MedGen C0010674, MONDO:0009061, OMIM 219700. Disease mechanism: loss of function.
Bronchiectasis with or without elevated sweat chloride 1 (BESC1). Also called: Cystic Fibrosis-Like Syndrome. Identifiers: Orphanet 60033, MedGen C2749757, MONDO:0008887, OMIM 211400.
Hereditary pancreatitis (PCTT). Also called: PRSS1-Related Hereditary Pancreatitis; Hereditary chronic pancreatitis. Identifiers: Orphanet 676, MedGen C0238339, MONDO:0008185, OMIM 167800.
ivacaftor response - Efficacy. Identifiers: MedGen CN322735.

Allele frequency attached by ClinVar (database versions not stated): gnomAD exomes 0.00002 and 0.00001; ExAC 0.00002.
gnomAD v4.1: 12 of 1,605,878 alleles (0.00075%); highest among the groups gnomAD compares: Non-Finnish European, 0.001%; no homozygotes.

Submissions 1 to 10 of 18:

ClinPGx
Classification: drug response for ivacaftor response - Efficacy. Last evaluated: 2021-03-24. Review status: reviewed by expert panel. Criteria: Pharmacogenomics knowledge for personalized medicine. Collection method: curation. Allele origin: germline. Affected: yes.
Comment: PharmGKB Level of Evidence 1A: Level 1A clinical annotations describe variant-drug combinations that have variant-specific prescribing guidance available in a current clinical guideline annotation or an FDA-approved drug label annotation. Annotations of drug labels or clinical guidelines must give prescribing guidance for specific variants (e.g. CYP2C9*3, HLA-B*57:01) or provide mapping from defined allele functions to diplotypes and phenotypes to be used as supporting evidence for a level 1A clinical annotation. Level 1A clinical annotations must also be supported by at least one publication in addition to a clinical guideline or drug label with variant-specific prescribing guidance.

Drug is not necessarily used to treat response condition

CFTR2
Classification: Pathogenic for Cystic fibrosis. Last evaluated: 2017-03-17. Review status: reviewed by expert panel. Criteria: Sosnay PR et al. (Nat Genet 2013). Collection method: research. Allele origin: germline. Affected: yes. Study: CFTR2.

Labcorp Genetics (formerly Invitae), Labcorp
Classification: Pathogenic for Cystic fibrosis. Last evaluated: 2025-12-09. Review status: criteria provided, single submitter. Criteria: Invitae Variant Classification Sherloc (09022015). Collection method: clinical testing. Allele origin: germline. Not counted in ClinVar's aggregate classification.
Comment: This sequence change replaces glycine, which is neutral and non-polar, with arginine, which is basic and polar, at codon 178 of the CFTR protein (p.Gly178Arg). This variant is present in population databases (rs80282562, gnomAD 0.003%). This missense change has been observed in individual(s) with cystic fibrosis (PMID: 1710599, 15638824, 23974870, 29133775). In at least one individual the data is consistent with being in trans (on the opposite chromosome) from a pathogenic variant. ClinVar contains an entry for this variant (Variation ID: 48692). Invitae Evidence Modeling of protein sequence and biophysical properties (such as structural, functional, and spatial information, amino acid conservation, physicochemical variation, residue mobility, and thermodynamic stability) indicates that this missense variant is expected to disrupt CFTR protein function with a positive predictive value of 80%. Experimental studies have shown that this missense change affects CFTR function (PMID: 9305991). For these reasons, this variant has been classified as Pathogenic.

Natera, Inc.
Classification: Pathogenic for CFTR-related disorders. Last evaluated: 2025-04-14. Review status: criteria provided, single submitter. Criteria: Natera Variant Classification Schema (03/2026). Collection method: clinical testing. Allele origin: germline. Not counted in ClinVar's aggregate classification.
Comment: The c.532G>A variant in CFTR is a missense variant predicted to cause substitution of glycine to arginine at amino acid 178. This variant is rare in the general population with a frequency below the threshold expected for the associated phenotype(s). This variant has been observed in one or more individuals affected with the associated recessive disease, as either homozygous or compound heterozygous with a second variant (PMID: 39570414, 30029855, 34852971, 32761997, 10923036). Computational prediction algorithms indicate this variant is likely to affect gene or protein function. Given the available evidence, this variant is classified as Pathogenic.

Mayo Clinic Laboratories, Mayo Clinic
Classification: Pathogenic. Last evaluated: 2025-03-04. Review status: criteria provided, single submitter. Criteria: ACMG Guidelines, 2015. Collection method: clinical testing. Allele origin: germline. Observed: 1 variant allele. Not counted in ClinVar's aggregate classification.

Quest Diagnostics Nichols Institute San Juan Capistrano
Classification: Pathogenic. Last evaluated: 2024-12-13. Review status: criteria provided, single submitter. Criteria: Quest Diagnostics criteria. Collection method: clinical testing. Allele origin: unknown. Not counted in ClinVar's aggregate classification.
Comment: The CFTR c.532G>A (p.Gly178Arg) variant has been reported in the published literature in individuals with cystic fibrosis (PMID: 1710599 (1991), 15638824 (2005), 18456578 (2008), 23974870 (2013), 35858753 (2022)). This variant has been described to cause CF when present with another CF-causing variant (CFTR2, CFTR-France). Published functional studies report that this variant resulted in defective chloride channel gating and reduced anion translocation capability of CFTR (PMID: 9305991 (1997), 22293084 (2012)). The frequency of this variant in the general population (Genome Aggregation Database) is uninformative in the assessment of its pathogenicity. Analysis of this variant using bioinformatics tools for the prediction of the effect of amino acid changes on protein structure and function yielded predictions that this variant is damaging. Based on the available information, this variant is classified as pathogenic.

Johns Hopkins Genomics, Johns Hopkins University
Classification: Pathogenic for Cystic fibrosis. Last evaluated: 2023-12-01. Review status: criteria provided, single submitter. Criteria: ACMG Guidelines, 2015. Collection method: clinical testing. Allele origin: germline. Not counted in ClinVar's aggregate classification.
Comment: Disease-causing CFTR variant. See CFTR2 for phenotype information.

Baylor Genetics
Classification: Pathogenic for Bronchiectasis with or without elevated sweat chloride 1. Last evaluated: 2023-11-27. Review status: criteria provided, single submitter. Criteria: ACMG Guidelines, 2015. Collection method: clinical testing. Allele origin: unknown. Not counted in ClinVar's aggregate classification.

3billion
Classification: Pathogenic for Cystic fibrosis. Last evaluated: 2023-08-09. Review status: criteria provided, single submitter. Criteria: ACMG Guidelines, 2015. Collection method: clinical testing. Allele origin: germline. Affected: yes. Not counted in ClinVar's aggregate classification.
Comment: The variant is observed at an extremely low frequency in the gnomAD v2.1.1 dataset (total allele frequency: 0.002%). Predicted Consequence/Location: Missense variant Functional studies provide moderate evidence of the variant having a damaging effect on the gene or gene product (PMID: 9305991). In silico tool predictions suggest damaging effect of the variant on gene or gene product [REVEL: 0.97 (>=0.6, sensitivity 0.68 and specificity 0.92); 3Cnet: 0.98 (>=0.6, sensitivity 0.72 and precision 0.9)]. Same nucleotide change resulting in same amino acid change has been previously reported as pathogenic/likely pathogenic with strong evidence (ClinVar ID: VCV000048692 /PMID: 1710599). The variant has been reported to be in trans with a pathogenic variant as either compound heterozygous or homozygous in at least one similarly affected unrelated individual (PMID: 29133775). Therefore, this variant is classified as Pathogenic according to the recommendation of ACMG/AMP guideline.

Ambry Genetics
Classification: Pathogenic for Cystic fibrosis. Last evaluated: 2023-04-19. Review status: criteria provided, single submitter. Criteria: Ambry Variant Classification Scheme 2023. Collection method: clinical testing. Allele origin: germline. Not counted in ClinVar's aggregate classification.
Comment: The p.G178R pathogenic mutation (also known as c.532G>A and 664G>A), located in coding exon 5 of the CFTR gene, results from a G to A substitution at nucleotide position 532. The glycine at codon 178 is replaced by arginine, an amino acid with dissimilar properties. This mutation was originally described in a Canadian family with cystic fibrosis (Zielenski J et al, Genomics 1991 May; 10(1):229-35). In addition, this pathogenic mutation was found in 50 individuals with cystic fibrosis and was associated with high sweat chloride levels and pancreatic insufficiency (Sosnay PR et al, Nat. Genet. 2013 Oct; 45(10):1160-7). In vitro functional studies showed that G178R mutant protein is processed and matures normally, but has reduced chloride channel activity (Seibert FS et al, Biochemistry 1997 Sep; 36(39):11966-74; Sosnay PR et al, Nat. Genet. 2013 Oct; 45(10):1160-7). Based on the available evidence, this alteration is classified as a pathogenic mutation.